The following is an entry in ClinVar:

ClinVar aggregate classification (germline): Likely benign. Review status: criteria provided, multiple submitters, no conflicts (2 of 4 stars). 2 submissions from 2 submitters: Likely benign (2). Last evaluated 2018-06-16.

Allele frequency attached by ClinVar (database versions not stated): gnomAD 0.01398; TOPMed 0.01499; 1000 Genomes Project 0.01677; 1000 Genomes Project 30x 0.01811.
gnomAD v4.1: 3,355 of 910,728 alleles (0.37%); highest among the groups gnomAD compares: African/African-American, 4.8%; 78 homozygotes.

Submissions (2):

GeneDx
Classification: Likely benign. Last evaluated: 2018-06-16. Review status: criteria provided, single submitter. Criteria: GeneDx Variant Classification (06012015). Collection method: clinical testing. Allele origin: germline. Affected: yes.
Comment: This variant is considered likely benign or benign based on one or more of the following criteria: it is a conservative change, it occurs at a poorly conserved position in the protein, it is predicted to be benign by multiple in silico algorithms, and/or has population frequency not consistent with disease.

Breakthrough Genomics
Classification: Likely benign. Review status: criteria provided, single submitter. Criteria: ACMG Guidelines, 2015. Collection method: not provided. Allele origin: germline. Inheritance: Autosomal dominant inheritance. Affected: yes.

NM_000093.5(COL5A1):c.1773+130C>T

Gene: COL5A1 (collagen type V alpha 1 chain; plus strand). Cytogenetic location: 9q34.3.
Variant type: single nucleotide variant.
Coding change: c.1773+130C>T on transcript NM_000093.5 (MANE Select); 130 bases into the intron after coding-DNA position 1773, C replaced by T.
Molecular consequence: intron variant.
Genome position (GRCh38, 1-based): chr9:134,754,033, C>T. VCF-style: chr9-134754033-C-T. GRCh37 (hg19) VCF-style: chr9-137645879-C-T.
Other names: c.1773+130C>T (NM_001278074.1).
Identifiers: ClinVar variation 676033 (VCV000676033.2), dbSNP rs78092926, ClinGen allele CA201090828.